The following is an entry in ClinVar:

NM_000116.5(TAFAZZIN):c.487dup (p.Asp163fs)

Gene: TAFAZZIN (tafazzin, phospholipid-lysophospholipid transacylase; plus strand). Cytogenetic location: Xq28.
Variant type: Duplication.
Coding change: c.487dup on transcript NM_000116.5 (MANE Select); coding-DNA position 487, one base duplicated (G; older notation c.487dupG).
Protein change: p.Asp163fs; shifts the reading frame from aspartic acid 163.
Molecular consequence: frameshift variant. On other transcripts: non-coding transcript variant (1).
Genome position (GRCh38, 1-based): chrX:154,419,569, G duplicated; the last of 2 consecutive G bases (chrX:154,419,568-154,419,569); duplicating either gives the same sequence. VCF-style (leftmost placement, unchanged base first): chrX-154419567-T-TG. GRCh37 (hg19) VCF-style: chrX-153647906-T-TG.
Other names: c.541dup, p.Asp181fs (NM_001303465.2); c.397dup, p.Asp133fs (NM_181311.4, NM_181313.4); c.487dup, p.Asp163fs (NM_181312.4); c.487dupG (NM_000116.3); short protein forms D133fs, D163fs, D181fs.
Identifiers: ClinVar variation 503896 (VCV000503896.1), dbSNP rs1557193821, ClinGen allele CA658799906.
Genomic context (GRCh38, chrX:154,419,567, plus strand): 5'-AATGGTTACTGATAGGGAGAGGCCTTTTCCTTGCAGGAGATGGCGTCTACCAGAAGGGGA[T>TG]GGACTTCATTTTGGAGAAGCTCAACCATGGGGACTGGGTGCATATCTTCCCAGAAGGTCA-3'

ClinVar aggregate classification (germline): Pathogenic (1 of 4 stars; one submission).

Submission:

GeneDx
Classification: Pathogenic. Last evaluated: 2017-12-04. Review status: criteria provided, single submitter. Criteria: GeneDx Variant Classification (06012015). Collection method: clinical testing. Allele origin: germline. Affected: yes.
Comment: The c.487dupG variant in the TAZ gene has not been reported previously as a pathogenic variant nor as a benign variant, to our knowledge. This variant causes a frameshift starting with codon Aspartic Acid 163, changes this amino acid to a Glycine residue, and creates a premature Stop codon at position 40 of the new reading frame, denoted p.Asp163GlyfsX40. This variant is predicted to cause loss of normal protein function either through protein truncation or nonsense-mediated mRNA decay. The c.487dupG variant is not observed in large population cohorts (Lek et al., 2016). We interpret c.487dupG as a pathogenic variant.